The following is an entry in ClinVar:

ClinVar aggregate classification (germline): Uncertain significance (1 of 4 stars; one submission).

Submission:

Labcorp Genetics (formerly Invitae), Labcorp
Classification: Uncertain significance. Last evaluated: 2023-01-20. Review status: criteria provided, single submitter. Criteria: Invitae Variant Classification Sherloc (09022015). Collection method: clinical testing. Allele origin: germline.
Comment: In summary, the available evidence is currently insufficient to determine the role of this variant in disease. Therefore, it has been classified as a Variant of Uncertain Significance. Experimental studies and prediction algorithms are not available or were not evaluated, and the functional significance of this variant is currently unknown. This variant has not been reported in the literature in individuals affected with FGFRL1-related conditions. The frequency data for this variant in the population databases is considered unreliable, as metrics indicate poor data quality at this position in the gnomAD database. This sequence change results in a frameshift in the FGFRL1 gene (p.Ser490Thrfs*89). While this is not anticipated to result in nonsense mediated decay, it is expected to disrupt the last 15 amino acid(s) of the FGFRL1 protein and extend the protein by 73 additional amino acid residues.

NM_001004356.3(FGFRL1):c.1464_1467del (p.Ser490fs)

Gene: FGFRL1 (fibroblast growth factor receptor like 1; plus strand). Cytogenetic location: 4p16.3.
Variant type: Microsatellite.
Coding change: c.1464_1467del on transcript NM_001004356.3 (MANE Select); coding-DNA positions 1464 to 1467, 4 bases deleted (ACAC; older notation c.1464_1467delACAC).
Protein change: p.Ser490fs; shifts the reading frame from serine 490.
Molecular consequence: frameshift variant.
Genome position (GRCh38, 1-based): chr4:1,025,296-1,025,299, ACAC deleted; deleting any 4 consecutive bases within chr4:1,025,291-1,025,299 gives the same sequence; the c. name uses the placement nearest the transcript's 3' end. VCF-style (leftmost placement, unchanged base first): chr4-1025290-TCACA-T. GRCh37 (hg19) VCF-style: chr4-1019078-TCACA-T.
Other names: c.1464_1467del, p.Ser490fs (NM_001004358.1, NM_001370296.1, NM_021923.3); short protein forms S490fs.
Identifiers: ClinVar variation 2993453 (VCV002993453.3), dbSNP rs775168543, ClinGen allele CA2803134.